The following is an entry in ClinVar:

ClinVar aggregate classification (germline): Uncertain significance (1 of 4 stars; one submission).

Submission:

Labcorp Genetics (formerly Invitae), Labcorp
Classification: Uncertain significance. Last evaluated: 2022-06-14. Review status: criteria provided, single submitter. Criteria: Invitae Variant Classification Sherloc (09022015). Collection method: clinical testing. Allele origin: germline.
Comment: In summary, the available evidence is currently insufficient to determine the role of this variant in disease. Therefore, it has been classified as a Variant of Uncertain Significance. Algorithms developed to predict the effect of missense changes on protein structure and function are either unavailable or do not agree on the potential impact of this missense change (SIFT: "Tolerated"; PolyPhen-2: "Possibly Damaging"; Align-GVGD: "Class C0"). This variant has not been reported in the literature in individuals affected with SAG-related conditions. This variant is not present in population databases (gnomAD no frequency). This sequence change replaces isoleucine, which is neutral and non-polar, with valine, which is neutral and non-polar, at codon 224 of the SAG protein (p.Ile224Val).

NM_000541.5(SAG):c.670A>G (p.Ile224Val)

Gene: SAG (S-antigen visual arrestin; plus strand). Cytogenetic location: 2q37.1.
Variant type: single nucleotide variant.
Coding change: c.670A>G on transcript NM_000541.5 (MANE Select); coding-DNA position 670, A replaced by G.
Protein change: p.Ile224Val; replaces isoleucine 224 with valine.
Molecular consequence: missense variant.
Genome position (GRCh38, 1-based): chr2:233,329,514, A>G. VCF-style: chr2-233329514-A-G. GRCh37 (hg19) VCF-style: chr2-234238160-A-G.
Other names: short protein forms I224V.
Identifiers: ClinVar variation 2006187 (VCV002006187.4), dbSNP rs2469793911, ClinGen allele CA351047841.